The following is an entry in ClinVar:

NM_000492.4(CFTR):c.3181G>T (p.Gly1061Ter)

Genes: CFTR (CF transmembrane conductance regulator; plus strand), CFTR-AS2 (CFTR antisense RNA 2; minus strand), LOC111674472 (DNase I hypersensitive sites in introns 16 and 17a of CFTR; plus strand). Cytogenetic location: 7q31.2.
Variant type: single nucleotide variant.
Coding change: c.3181G>T on transcript NM_000492.4 (MANE Select); coding-DNA position 3181, G replaced by T.
Protein change: p.Gly1061Ter; replaces glycine 1061 with a stop codon.
Molecular consequence: nonsense.
Genome position (GRCh38, 1-based): chr7:117,611,622, G>T. VCF-style: chr7-117611622-G-T. GRCh37 (hg19) VCF-style: chr7-117251676-G-T.
Other names: short protein forms G1061*.
Identifiers: ClinVar variation 4818529 (VCV004818529.1).

ClinVar aggregate classification (germline): Likely pathogenic (1 of 4 stars; one submission).

Conditions:
CFTR-related disorder (CFTR-RD). Also called: CFTR-related disorders; CFTR-related condition. Identifiers: MedGen C5924204, MONDO:7770004.

Submission:

Natera, Inc.
Classification: Likely pathogenic for CFTR-related disorders. Last evaluated: 2024-08-05. Review status: criteria provided, single submitter. Criteria: Natera Variant Classification Schema (03/2026). Collection method: clinical testing. Allele origin: germline.
Comment: The c.3181G>T variant in CFTR is a nonsense variant predicted to introduce a stop codon at amino acid 1061. This variant is expected to result in nonsense mediated decay, truncation, or a dysfunctional protein product. This variant is rare in the general population with a frequency below the threshold expected for the associated phenotype(s). Given the available evidence, this variant is classified as Likely Pathogenic.